The following is an entry in ClinVar:

NM_198282.4(STING1):c.505C>T (p.Arg169Trp)

Gene: STING1 (stimulator of interferon response cGAMP interactor 1; minus strand). Cytogenetic location: 5q31.2.
Variant type: single nucleotide variant.
Coding change: c.505C>T on transcript NM_198282.4 (MANE Select); coding-DNA position 505, C replaced by T.
Protein change: p.Arg169Trp; replaces arginine 169 with tryptophan.
Molecular consequence: missense variant.
Genome position (GRCh38, 1-based): chr5:139,480,805, G>A on the plus strand (C>T on the coding strand, the complement: STING1 is on the minus strand). VCF-style: chr5-139480805-G-A. GRCh37 (hg19) VCF-style: chr5-138860390-G-A.
Other names: c.505C>T, p.Arg169Trp (NM_001301738.2); c.148C>T, p.Arg50Trp (NM_001367258.1); short protein forms R169W, R50W.
Identifiers: ClinVar variation 2899715 (VCV002899715.3), dbSNP rs1043499198, ClinGen allele CA128748226.

ClinVar aggregate classification (germline): Uncertain significance (1 of 4 stars; one submission).

Conditions:
STING-associated vasculopathy with onset in infancy. Also called: Sting-associated vasculopathy, infantile-onset. Identifiers: Orphanet 425120, MedGen C4014722, MONDO:0014405, OMIM 615934.

gnomAD v4.1: 7 of 1,612,702 alleles (0.00043%); highest among the groups gnomAD compares: East Asian, 0.0022%; no homozygotes.

Submission:

Labcorp Genetics (formerly Invitae), Labcorp
Classification: Uncertain significance for STING-associated vasculopathy with onset in infancy. Last evaluated: 2023-01-15. Review status: criteria provided, single submitter. Criteria: Invitae Variant Classification Sherloc (09022015). Collection method: clinical testing. Allele origin: germline.
Comment: In summary, the available evidence is currently insufficient to determine the role of this variant in disease. Therefore, it has been classified as a Variant of Uncertain Significance. Algorithms developed to predict the effect of sequence changes on RNA splicing suggest that this variant may disrupt the consensus splice site. Advanced modeling of protein sequence and biophysical properties (such as structural, functional, and spatial information, amino acid conservation, physicochemical variation, residue mobility, and thermodynamic stability) performed at Invitae indicates that this missense variant is expected to disrupt TMEM173 protein function. This variant has not been reported in the literature in individuals affected with TMEM173-related conditions. This variant is present in population databases (no rsID available, gnomAD 0.007%). This sequence change replaces arginine, which is basic and polar, with tryptophan, which is neutral and slightly polar, at codon 169 of the TMEM173 protein (p.Arg169Trp).